The following is an entry in ClinVar:

NM_000371.4(TTR):c.151C>T (p.His51Tyr)

Gene: TTR (transthyretin; plus strand). Cytogenetic location: 18q12.1.
Variant type: single nucleotide variant.
Coding change: c.151C>T on transcript NM_000371.4 (MANE Select); coding-DNA position 151, C replaced by T.
Protein change: p.His51Tyr; replaces histidine 51 with tyrosine.
Molecular consequence: missense variant.
Genome position (GRCh38, 1-based): chr18:31,592,977, C>T. VCF-style: chr18-31592977-C-T. GRCh37 (hg19) VCF-style: chr18-29172940-C-T.
Other names: short protein forms H51Y.
Identifiers: ClinVar variation 2916432 (VCV002916432.3), dbSNP rs915983905, ClinGen allele CA402156751.

ClinVar aggregate classification (germline): Uncertain significance (1 of 4 stars; one submission).

Conditions:
Amyloidosis, hereditary systemic 1 (AMYLD1). Also called: Hereditary oculoleptomeningeal amyloid angiopathy; Familial Transthyretin Amyloidosis; Hereditary Transthyretin Amyloidosis; Familial amyloid polyneuropathy; Transthyretin Amyloidosis; Isolated Cardiac Amyloidosis. Identifiers: Orphanet 85447, Orphanet 85451, MedGen C2751492, MONDO:0971004, OMIM 105210.

gnomAD v4.1: 2 of 1,613,990 alleles (0.00012%); highest among the groups gnomAD compares: Non-Finnish European, 0.00017%; no homozygotes.

Submission:

Labcorp Genetics (formerly Invitae), Labcorp
Classification: Uncertain significance for Amyloidosis, hereditary systemic 1. Last evaluated: 2025-10-02. Review status: criteria provided, single submitter. Criteria: Invitae Variant Classification Sherloc (09022015). Collection method: clinical testing. Allele origin: germline.
Comment: This sequence change replaces histidine, which is basic and polar, with tyrosine, which is neutral and polar, at codon 51 of the TTR protein (p.His51Tyr). This variant is not present in population databases (gnomAD no frequency). This variant has not been reported in the literature in individuals affected with TTR-related conditions. ClinVar contains an entry for this variant (Variation ID: 2916432). Invitae Evidence Modeling of protein sequence and biophysical properties (such as structural, functional, and spatial information, amino acid conservation, physicochemical variation, residue mobility, and thermodynamic stability) indicates that this missense variant is expected to disrupt TTR protein function with a positive predictive value of 80%. In summary, the available evidence is currently insufficient to determine the role of this variant in disease. Therefore, it has been classified as a Variant of Uncertain Significance.